The following is an entry in ClinVar:

ClinVar aggregate classification (germline): Likely benign (1 of 4 stars; one submission).

Allele frequency attached by ClinVar (database versions not stated): gnomAD 0.00010; TOPMed 0.00014; 1000 Genomes Project 30x 0.00078; 1000 Genomes Project 0.00080.
gnomAD v4.1: 54 of 1,579,684 alleles (0.0034%); highest among the groups gnomAD compares: East Asian, 0.12%; no homozygotes.

Submission:

GeneDx
Classification: Likely benign. Last evaluated: 2017-07-13. Review status: criteria provided, single submitter. Criteria: GeneDx Variant Classification (06012015). Collection method: clinical testing. Allele origin: germline. Affected: yes.
Comment: This variant is considered likely benign or benign based on one or more of the following criteria: it is a conservative change, it occurs at a poorly conserved position in the protein, it is predicted to be benign by multiple in silico algorithms, and/or has population frequency not consistent with disease.

NM_001378969.1(KCND3):c.-36G>C

Gene: KCND3 (potassium voltage-gated channel subfamily D member 3; minus strand). Cytogenetic location: 1p13.2.
Variant type: single nucleotide variant.
Coding change: c.-36G>C on transcript NM_001378969.1 (MANE Select); 36 bases upstream of the start codon, G replaced by C.
Molecular consequence: 5 prime UTR variant.
Genome position (GRCh38, 1-based): chr1:111,982,762, C>G on the plus strand (G>C on the coding strand, the complement: KCND3 is on the minus strand). VCF-style: chr1-111982762-C-G. GRCh37 (hg19) VCF-style: chr1-112525384-C-G.
Other names: c.-36G>C (NM_001378970.1, NM_004980.5, NM_172198.3).
Identifiers: ClinVar variation 510760 (VCV000510760.1), dbSNP rs200106311, ClinGen allele CA1007677.